The following is an entry in ClinVar:

ClinVar aggregate classification (germline): Pathogenic (1 of 4 stars; one submission).

Conditions:
Muscular dystrophy-dystroglycanopathy type B6 (MDDGB6). Also called: MUSCULAR DYSTROPHY, CONGENITAL, LARGE-RELATED; MUSCULAR DYSTROPHY, CONGENITAL, TYPE 1D; MUSCULAR DYSTROPHY-DYSTROGLYCANOPATHY (CONGENITAL WITH IMPAIRED INTELLECTUAL DEVELOPMENT), TYPE B, 6. Identifiers: MedGen C1837229, MONDO:0012138, OMIM 608840.

Submission:

Labcorp Genetics (formerly Invitae), Labcorp
Classification: Pathogenic for Muscular dystrophy-dystroglycanopathy type B6. Last evaluated: 2023-04-25. Review status: criteria provided, single submitter. Criteria: Invitae Variant Classification Sherloc (09022015). Collection method: clinical testing. Allele origin: germline.
Comment: This sequence change creates a premature translational stop signal (p.Leu514Profs*8) in the LARGE1 gene. It is expected to result in an absent or disrupted protein product. Loss-of-function variants in LARGE1 are known to be pathogenic (PMID: 12966029, 17878207). This variant is not present in population databases (gnomAD no frequency). This variant has not been reported in the literature in individuals affected with LARGE1-related conditions. For these reasons, this variant has been classified as Pathogenic.

Literature cited by the submitters: PubMed 12966029; PubMed 17878207.

NM_133642.5(LARGE1):c.1538dup (p.Leu514fs)

Gene: LARGE1 (LARGE xylosyl- and glucuronyltransferase 1; minus strand). Cytogenetic location: 22q12.3.
Variant type: Duplication.
Coding change: c.1538dup on transcript NM_133642.5 (MANE Select); coding-DNA position 1538, one base duplicated (T; older notation c.1538dupT).
Protein change: p.Leu514fs; shifts the reading frame from leucine 514.
Molecular consequence: frameshift variant.
Genome position (GRCh38, 1-based): chr22:33,304,421, A duplicated on the plus strand (T on the coding strand, the reverse complement: LARGE1 is on the minus strand); the first of 2 consecutive A bases (chr22:33,304,421-33,304,422); duplicating either gives the same sequence. VCF-style (leftmost placement, unchanged base first): chr22-33304420-G-GA. GRCh37 (hg19) VCF-style: chr22-33700406-G-GA.
Other names: c.1538dup, p.Leu514fs (NM_001362949.2, NM_001362951.2, NM_001362953.2 and 6 more transcripts); c.1382dup, p.Leu462fs (NM_001378629.1); c.935dup, p.Leu313fs (NM_001378630.1); c.779dup, p.Leu261fs (NM_001378631.1); short protein forms L514fs, L462fs, L261fs, L313fs.
Identifiers: ClinVar variation 2855043 (VCV002855043.3), dbSNP rs2546647342, ClinGen allele CA2739265660.